The following is an entry in ClinVar:

ClinVar aggregate classification (germline): Uncertain significance (1 of 4 stars; one submission).

Conditions:
VPS13B-related disorder. Also called: VPS13B-related condition.

Submission:

PreventionGenetics, part of Exact Sciences
Classification: Uncertain significance for VPS13B-related condition. Last evaluated: 2025-08-15. Review status: criteria provided, single submitter. Criteria: ACMG Guidelines, 2015. Collection method: clinical testing. Allele origin: germline.
Comment: The VPS13B c.6586C>T variant is predicted to result in the amino acid substitution p.His2196Tyr. To our knowledge, this variant has not been reported in the literature or in a large population database (gnomAD), indicating this variant is rare. At this time, the clinical significance of this variant is uncertain due to the absence of conclusive functional and genetic evidence.

NM_152564.5(VPS13B):c.6586C>T (p.His2196Tyr)

Gene: VPS13B (vacuolar protein sorting 13 homolog B; plus strand). Cytogenetic location: 8q22.2.
Variant type: single nucleotide variant.
Coding change: c.6586C>T on transcript NM_152564.5 (MANE Select); coding-DNA position 6586, C replaced by T.
Protein change: p.His2196Tyr; replaces histidine 2196 with tyrosine.
Molecular consequence: missense variant.
Genome position (GRCh38, 1-based): chr8:99,717,302, C>T. VCF-style: chr8-99717302-C-T. GRCh37 (hg19) VCF-style: chr8-100729530-C-T.
Other names: c.6661C>T, p.His2221Tyr (NM_017890.5); short protein forms H2196Y, H2221Y.
Identifiers: ClinVar variation 4993344 (VCV004993344.1).